The following is an entry in ClinVar:

NM_001369369.1(FOXN1):c.226G>A (p.Glu76Lys)

Gene: FOXN1 (forkhead box N1; plus strand). Cytogenetic location: 17q11.2.
Variant type: single nucleotide variant.
Coding change: c.226G>A on transcript NM_001369369.1 (MANE Select); coding-DNA position 226, G replaced by A.
Protein change: p.Glu76Lys; replaces glutamic acid 76 with lysine.
Molecular consequence: missense variant.
Genome position (GRCh38, 1-based): chr17:28,524,605, G>A. VCF-style: chr17-28524605-G-A. GRCh37 (hg19) VCF-style: chr17-26851623-G-A.
Other names: c.226G>A, p.Glu76Lys (NM_003593.3); short protein forms E76K.
Identifiers: ClinVar variation 322415 (VCV000322415.7), dbSNP rs142248984, ClinGen allele CA10649779.

ClinVar aggregate classification (germline): Uncertain significance. Review status: criteria provided, multiple submitters, no conflicts (2 of 4 stars). 3 submissions from 3 submitters: Uncertain significance (3). Last evaluated 2024-11-08.

Conditions:
Inborn genetic diseases. Identifiers: MedGen C0950123, MeSH D030342.
T-cell immunodeficiency, congenital alopecia, and nail dystrophy. Also called: Congenital alopecia and nail dystrophy associated with severe functional T-cell immunodeficiency; Pignata Guarino syndrome. Identifiers: Orphanet 169095, MedGen C1866426, MONDO:0011132, OMIM 601705.

Allele frequency attached by ClinVar (database versions not stated): gnomAD exomes 0.00001 and 0.00002; TOPMed 0.00001; gnomAD 0.00002; ESP Exome Variant Server 0.00008.

Submissions (3):

Ambry Genetics
Classification: Uncertain significance for Inborn genetic diseases. Last evaluated: 2024-11-08. Review status: criteria provided, single submitter. Criteria: Ambry Variant Classification Scheme 2023. Collection method: clinical testing. Allele origin: germline.

Labcorp Genetics (formerly Invitae), Labcorp
Classification: Uncertain significance for T-cell immunodeficiency, congenital alopecia, and nail dystrophy. Last evaluated: 2024-05-04. Review status: criteria provided, single submitter. Criteria: Invitae Variant Classification Sherloc (09022015). Collection method: clinical testing. Allele origin: germline.
Comment: This sequence change replaces glutamic acid, which is acidic and polar, with lysine, which is basic and polar, at codon 76 of the FOXN1 protein (p.Glu76Lys). This variant is present in population databases (rs142248984, gnomAD 0.005%). This variant has not been reported in the literature in individuals affected with FOXN1-related conditions. ClinVar contains an entry for this variant (Variation ID: 322415). Advanced modeling of protein sequence and biophysical properties (such as structural, functional, and spatial information, amino acid conservation, physicochemical variation, residue mobility, and thermodynamic stability) performed at Invitae indicates that this missense variant is not expected to disrupt FOXN1 protein function with a negative predictive value of 80%. In summary, the available evidence is currently insufficient to determine the role of this variant in disease. Therefore, it has been classified as a Variant of Uncertain Significance.

Illumina Laboratory Services, Illumina
Classification: Uncertain significance for T-cell immunodeficiency, congenital alopecia, and nail dystrophy. Last evaluated: 2018-01-13. Review status: criteria provided, single submitter. Criteria: ICSL Variant Classification Criteria 13 December 2019. Collection method: clinical testing. Allele origin: germline.